The following is an entry in ClinVar:

ClinVar aggregate classification (germline): Uncertain significance (1 of 4 stars; one submission).

Submission:

Labcorp Genetics (formerly Invitae), Labcorp
Classification: Uncertain significance. Last evaluated: 2023-02-22. Review status: criteria provided, single submitter. Criteria: Invitae Variant Classification Sherloc (09022015). Collection method: clinical testing. Allele origin: germline.
Comment: In summary, the available evidence is currently insufficient to determine the role of this variant in disease. Therefore, it has been classified as a Variant of Uncertain Significance. Advanced modeling of protein sequence and biophysical properties (such as structural, functional, and spatial information, amino acid conservation, physicochemical variation, residue mobility, and thermodynamic stability) performed at Invitae indicates that this missense variant is not expected to disrupt GALNT12 protein function. This variant has not been reported in the literature in individuals affected with GALNT12-related conditions. This variant is not present in population databases (gnomAD no frequency). This sequence change replaces threonine, which is neutral and polar, with serine, which is neutral and polar, at codon 264 of the GALNT12 protein (p.Thr264Ser).

NM_024642.5(GALNT12):c.791C>G (p.Thr264Ser)

Gene: GALNT12 (polypeptide N-acetylgalactosaminyltransferase 12; plus strand). Cytogenetic location: 9q22.33.
Variant type: single nucleotide variant.
Coding change: c.791C>G on transcript NM_024642.5 (MANE Select); coding-DNA position 791, C replaced by G.
Protein change: p.Thr264Ser; replaces threonine 264 with serine.
Molecular consequence: missense variant.
Genome position (GRCh38, 1-based): chr9:98,831,831, C>G. VCF-style: chr9-98831831-C-G. GRCh37 (hg19) VCF-style: chr9-101594113-C-G.
Other names: short protein forms T264S.
Identifiers: ClinVar variation 2964984 (VCV002964984.3), dbSNP rs2118414037, ClinGen allele CA374218017.